The following is an entry in ClinVar:

ClinVar aggregate classification (germline): Pathogenic (1 of 4 stars; one submission).

Conditions:
Aortic aneurysm, familial thoracic 7 (AAT7). Also called: AORTIC DISSECTION, FAMILIAL, WITH OR WITHOUT AORTIC ANEURYSM. Identifiers: MedGen C3151077, MONDO:0013418, OMIM 613780.

Submission:

Labcorp Genetics (formerly Invitae), Labcorp
Classification: Pathogenic for Aortic aneurysm, familial thoracic 7. Last evaluated: 2023-10-23. Review status: criteria provided, single submitter. Criteria: Invitae Variant Classification Sherloc (09022015). Collection method: clinical testing. Allele origin: germline.
Comment: This sequence change creates a premature translational stop signal (p.Val1323Glyfs*8) in the MYLK gene. It is expected to result in an absent or disrupted protein product. Loss-of-function variants in MYLK are known to be pathogenic (PMID: 21055718, 28602422). This variant is not present in population databases (gnomAD no frequency). This variant has not been reported in the literature in individuals affected with MYLK-related conditions. For these reasons, this variant has been classified as Pathogenic.

Literature cited by the submitters: PubMed 21055718; PubMed 28602422.

NM_053025.4(MYLK):c.3967dup (p.Val1323fs)

Gene: MYLK (myosin light chain kinase; minus strand). Cytogenetic location: 3q21.1.
Variant type: Duplication.
Coding change: c.3967dup on transcript NM_053025.4 (MANE Select); coding-DNA position 3967, one base duplicated (G; older notation c.3967dupG).
Protein change: p.Val1323fs; shifts the reading frame from valine 1323.
Molecular consequence: frameshift variant.
Genome position (GRCh38, 1-based): chr3:123,664,123, C duplicated on the plus strand (G on the coding strand, the reverse complement: MYLK is on the minus strand); the first of 2 consecutive C bases (chr3:123,664,123-123,664,124); duplicating either gives the same sequence. VCF-style (leftmost placement, unchanged base first): chr3-123664122-A-AC. GRCh37 (hg19) VCF-style: chr3-123382969-A-AC.
Other names: c.3439dup, p.Val1147fs (NM_001321309.2); c.3760dup, p.Val1254fs (NM_053026.4, NM_053028.4); c.3967dup, p.Val1323fs (NM_053027.4); short protein forms V1254fs, V1147fs, V1323fs.
Identifiers: ClinVar variation 2801842 (VCV002801842.3), dbSNP rs2473640334, ClinGen allele CA2739278293.